The following is an entry in ClinVar:

ClinVar aggregate classification (germline): Uncertain significance (1 of 4 stars; one submission).

Conditions:
Symmetrical dyschromatosis of extremities (DSH). Also called: RETICULATE ACROPIGMENTATION OF DOHI; SYMMETRIC DYSCHROMATOSIS OF THE EXTREMITIES; Dyschromatosis symmetrica hereditaria; DYSCHROMATOSIS SYMMETRICA HEREDITARIA 1. Identifiers: Orphanet 41, MedGen C0406775, MONDO:0007483, OMIM 127400.
Aicardi-Goutieres syndrome 6 (AGS6). Identifiers: Orphanet 51, MedGen C3539013, MONDO:0014007, OMIM 615010.

Allele frequency attached by ClinVar (database versions not stated): ExAC 0.00001; gnomAD exomes 0.00001.
gnomAD v4.1: 4 of 1,613,928 alleles (0.00025%); highest among the groups gnomAD compares: South Asian, 0.0044%; no homozygotes.

Submission:

Labcorp Genetics (formerly Invitae), Labcorp
Classification: Uncertain significance for Aicardi-Goutieres syndrome 6; Symmetrical dyschromatosis of extremities. Last evaluated: 2022-08-10. Review status: criteria provided, single submitter. Criteria: Invitae Variant Classification Sherloc (09022015). Collection method: clinical testing. Allele origin: germline.
Comment: This variant is present in population databases (rs745351666, gnomAD 0.01%). In summary, the available evidence is currently insufficient to determine the role of this variant in disease. Therefore, it has been classified as a Variant of Uncertain Significance. Algorithms developed to predict the effect of missense changes on protein structure and function (SIFT, PolyPhen-2, Align-GVGD) all suggest that this variant is likely to be tolerated. This variant has not been reported in the literature in individuals affected with ADAR-related conditions. This sequence change replaces histidine, which is basic and polar, with arginine, which is basic and polar, at codon 1097 of the ADAR protein (p.His1097Arg).

NM_001111.5(ADAR):c.3290A>G (p.His1097Arg)

Gene: ADAR (adenosine deaminase RNA specific; minus strand). Cytogenetic location: 1q21.3.
Variant type: single nucleotide variant.
Coding change: c.3290A>G on transcript NM_001111.5 (MANE Select); coding-DNA position 3290, A replaced by G.
Protein change: p.His1097Arg; replaces histidine 1097 with arginine.
Molecular consequence: missense variant.
Genome position (GRCh38, 1-based): chr1:154,585,778, T>C on the plus strand (A>G on the coding strand, the complement: ADAR is on the minus strand). VCF-style: chr1-154585778-T-C. GRCh37 (hg19) VCF-style: chr1-154558254-T-C.
Other names: c.2405A>G, p.His802Arg (NM_001025107.3, NM_001193495.2, NM_001365046.1 and 2 more transcripts); c.3317A>G, p.His1106Arg (NM_001365045.1); c.2327A>G, p.His776Arg (NM_001365049.1); c.3212A>G, p.His1071Arg (NM_015840.4); c.3155A>G, p.His1052Arg (NM_015841.4); short protein forms H1071R, H1052R, H1106R, H776R, H1097R, H802R.
Identifiers: ClinVar variation 2091533 (VCV002091533.4), dbSNP rs745351666, ClinGen allele CA1130998.